The following is an entry in ClinVar:

NM_001378457.1(DMXL2):c.8746C>T (p.His2916Tyr)

Gene: DMXL2 (Dmx like 2; minus strand). Cytogenetic location: 15q21.2.
Variant type: single nucleotide variant.
Coding change: c.8746C>T on transcript NM_001378457.1 (MANE Select); coding-DNA position 8746, C replaced by T.
Protein change: p.His2916Tyr; replaces histidine 2916 with tyrosine.
Molecular consequence: missense variant. On other transcripts: non-coding transcript variant (1).
Genome position (GRCh38, 1-based): chr15:51,451,648, G>A on the plus strand (C>T on the coding strand, the complement: DMXL2 is on the minus strand). VCF-style: chr15-51451648-G-A. GRCh37 (hg19) VCF-style: chr15-51743845-G-A.
Other names: c.8683C>T (NM_001174116.1); c.8683C>T, p.His2895Tyr (NM_001174116.3); c.6772C>T, p.His2258Tyr (NM_001174117.3); c.8743C>T, p.His2915Tyr (NM_001378458.1); c.8458C>T, p.His2820Tyr (NM_001378459.1); c.6661C>T, p.His2221Tyr (NM_001378460.1); c.8680C>T, p.His2894Tyr (NM_015263.5); short protein forms H2894Y, H2895Y, H2915Y, H2916Y, H2221Y, H2258Y, H2820Y.
Identifiers: ClinVar variation 1471942 (VCV001471942.5), dbSNP rs749578324, ClinGen allele CA7560922.

ClinVar aggregate classification (germline): Uncertain significance. Review status: criteria provided, multiple submitters, no conflicts (2 of 4 stars). 2 submissions from 2 submitters: Uncertain significance (2). Last evaluated 2025-08-12.

Conditions:
Inborn genetic diseases. Identifiers: MedGen C0950123, MeSH D030342.

Allele frequency attached by ClinVar (database versions not stated): gnomAD exomes 0.00001 and 0.00003; TOPMed 0.00001; ExAC 0.00002.
gnomAD v4.1: 10 of 1,611,922 alleles (0.00062%); highest among the groups gnomAD compares: Admixed American, 0.0083%; no homozygotes.

Submissions (2):

Ambry Genetics
Classification: Uncertain significance for Inborn genetic diseases. Last evaluated: 2025-08-12. Review status: criteria provided, single submitter. Criteria: Ambry Variant Classification Scheme 2023. Collection method: clinical testing. Allele origin: germline.

Labcorp Genetics (formerly Invitae), Labcorp
Classification: Uncertain significance. Last evaluated: 2023-08-04. Review status: criteria provided, single submitter. Criteria: Invitae Variant Classification Sherloc (09022015). Collection method: clinical testing. Allele origin: germline.
Comment: ClinVar contains an entry for this variant (Variation ID: 1471942). An algorithm developed to predict the effect of missense changes on protein structure and function (PolyPhen-2) suggests that this variant is likely to be disruptive. In summary, the available evidence is currently insufficient to determine the role of this variant in disease. Therefore, it has been classified as a Variant of Uncertain Significance. This variant has not been reported in the literature in individuals affected with DMXL2-related conditions. This sequence change replaces histidine, which is basic and polar, with tyrosine, which is neutral and polar, at codon 2895 of the DMXL2 protein (p.His2895Tyr). This variant is present in population databases (rs749578324, gnomAD 0.01%).